The following is an entry in ClinVar:

NM_052813.5(CARD9):c.185-5C>T

Gene: CARD9 (caspase recruitment domain family member 9; minus strand). Cytogenetic location: 9q34.3.
Variant type: single nucleotide variant.
Coding change: c.185-5C>T on transcript NM_052813.5 (MANE Select); 5 bases into the intron before coding-DNA position 185, C replaced by T.
Molecular consequence: intron variant.
Genome position (GRCh38, 1-based): chr9:136,371,466, G>A on the plus strand (C>T on the coding strand, the complement: CARD9 is on the minus strand). VCF-style: chr9-136371466-G-A. GRCh37 (hg19) VCF-style: chr9-139265918-G-A.
Other names: c.185-5C>T (NM_052814.4).
Identifiers: ClinVar variation 748990 (VCV000748990.10), dbSNP rs760533705, ClinGen allele CA5333218.

ClinVar aggregate classification (germline): Conflicting classifications of pathogenicity. Review status: criteria provided, conflicting classifications (1 of 4 stars). 2 submissions from 2 submitters: Uncertain significance (1); Likely benign (1). Last evaluated 2025-06-08.

Conditions:
Predisposition to invasive fungal disease due to CARD9 deficiency (IMD103). Also called: Candidiasis, familial, 2, autosomal recessive; IMMUNODEFICIENCY 103, SUSCEPTIBILITY TO FUNGAL INFECTIONS; CARD9 IMMUNODEFICIENCY. Identifiers: Orphanet 457088, MedGen C1859353, MONDO:0008905, OMIM 212050.

Allele frequency attached by ClinVar (database versions not stated): gnomAD 0.00001; TOPMed 0.00001; ExAC 0.00003.
gnomAD v4.1: 6 of 1,572,874 alleles (0.00038%); highest among the groups gnomAD compares: Middle Eastern, 0.017%; no homozygotes.

Submissions (2):

Labcorp Genetics (formerly Invitae), Labcorp
Classification: Likely benign for Predisposition to invasive fungal disease due to CARD9 deficiency. Last evaluated: 2025-06-08. Review status: criteria provided, single submitter. Criteria: Invitae Variant Classification Sherloc (09022015). Collection method: clinical testing. Allele origin: germline.

Center for Genomics, Ann and Robert H. Lurie Children's Hospital of Chicago
Classification: Uncertain significance for Predisposition to invasive fungal disease due to CARD9 deficiency. Last evaluated: 2021-07-19. Review status: criteria provided, single submitter. Criteria: ACMG Guidelines, 2015. Collection method: clinical testing. Allele origin: germline.
Comment: CARD9 NM_052813.4 intron 2 c.185-5C>T:This variant has not been reported in the literature but is present in 0.01% (1/5194) of East Asian alleles in the Genome Aggregation Database. This variant is present in ClinVar (Variation ID:748990). Evolutionary conservation and computational predictive tools for this variant are limited or unavailable. This variant is an intronic variant with no predicted change in the amino acid sequence but may have an unknown effect on splicing; computational prediction tools do not suggest that it alters splicing. However, further studies are needed to understand its impact. In summary, data on this variant is insufficient for disease classification. Therefore, the clinical significance of this variant is uncertain.